The following is an entry in ClinVar:

ClinVar aggregate classification (germline): Uncertain significance. Review status: criteria provided, multiple submitters, no conflicts (2 of 4 stars). 5 submissions from 5 submitters: Uncertain significance (4). 1 of the submissions does not count toward it. Last evaluated 2025-10-13.

Conditions:
RECQL4-related disorder. Also called: RECQL4-related condition; RECQL4-related disorders.
Hereditary cancer-predisposing syndrome. Also called: Hereditary neoplastic syndrome; Neoplastic Syndromes, Hereditary; Hereditary Cancer Syndrome; Tumor predisposition. Identifiers: Orphanet 140162, MedGen C0027672, MeSH D009386, MONDO:0015356.
Baller-Gerold syndrome (BGS). Also called: CRANIOSYNOSTOSIS WITH RADIAL DEFECTS. Identifiers: Orphanet 1225, MedGen C0265308, MONDO:0009039, OMIM 218600.

Allele frequency attached by ClinVar (database versions not stated): gnomAD exomes 0.00003; ExAC 0.00004; gnomAD 0.00005; TOPMed 0.00006.

Submissions (5):

Labcorp Genetics (formerly Invitae), Labcorp
Classification: Uncertain significance for Baller-Gerold syndrome. Last evaluated: 2025-10-13. Review status: criteria provided, single submitter. Criteria: Invitae Variant Classification Sherloc (09022015). Collection method: clinical testing. Allele origin: germline.
Comment: This sequence change replaces alanine, which is neutral and non-polar, with threonine, which is neutral and polar, at codon 726 of the RECQL4 protein (p.Ala726Thr). This variant is present in population databases (rs766748490, gnomAD 0.009%). This variant has not been reported in the literature in individuals affected with RECQL4-related conditions. ClinVar contains an entry for this variant (Variation ID: 406966). Invitae Evidence Modeling of protein sequence and biophysical properties (such as structural, functional, and spatial information, amino acid conservation, physicochemical variation, residue mobility, and thermodynamic stability) indicates that this missense variant is not expected to disrupt RECQL4 protein function with a negative predictive value of 80%. In summary, the available evidence is currently insufficient to determine the role of this variant in disease. Therefore, it has been classified as a Variant of Uncertain Significance.

Sema4
Classification: Uncertain significance for Hereditary cancer-predisposing syndrome. Last evaluated: 2021-11-09. Review status: criteria provided, single submitter. Criteria: Sema4 Curation Guidelines. Collection method: curation. Allele origin: germline.
Comment: The RECQL4 c.2176G>A (p.A726T) variant has not been reported in the literature to our knowledge. It was observed in 3/34502 chromosomes of the Latino subpopulation in the large and broad cohorts of the Genome Aggregation Database (PMID: 32461654). The variant has been reported in ClinVar (Variation ID: 406966). In silico tools suggest the impact of the variant on protein function is benign, though these predictions have not been confirmed by functional studies. The evidence is insufficient to meet ACMG/AMP criteria for classifying the variant as benign or pathogenic. Thus, the clinical significance of this variant is currently uncertain.

GeneDx
Classification: Uncertain significance. Last evaluated: 2021-10-28. Review status: criteria provided, single submitter. Criteria: GeneDx Variant Classification Process June 2021. Collection method: clinical testing. Allele origin: germline. Affected: yes.
Comment: Has not been previously published as pathogenic or benign to our knowledge; In silico analysis supports that this missense variant does not alter protein structure/function

Breakthrough Genomics
Classification: Uncertain significance. Review status: criteria provided, single submitter. Criteria: ACMG Guidelines, 2015. Collection method: not provided. Allele origin: germline. Inheritance: Autosomal recessive inheritance. Affected: yes.

PreventionGenetics, part of Exact Sciences
Classification: Uncertain significance for RECQL4-related condition. Last evaluated: 2024-09-28. Review status: no assertion criteria provided. Collection method: clinical testing. Allele origin: germline. Not counted in ClinVar's aggregate classification.
Comment: The RECQL4 c.2176G>A variant is predicted to result in the amino acid substitution p.Ala726Thr. To our knowledge, this variant has not been reported in the literature for RECQL4-related disease. However, this variant was reported in an individual with dedifferentiated liposarcoma of the retroperitoneum along with known pathogenic variants in other genes (Mendes Awni et al. 2022. PubMed ID: 35431856). This variant is reported in 0.0087% of alleles in individuals of Latino descent in gnomAD and is classified as a variant of uncertain significance in ClinVar. At this time, the clinical significance of this variant is uncertain due to the absence of conclusive functional and genetic evidence.

NM_004260.4(RECQL4):c.2176G>A (p.Ala726Thr)

Gene: RECQL4 (RecQ like helicase 4; minus strand). Cytogenetic location: 8q24.3.
Variant type: single nucleotide variant.
Coding change: c.2176G>A on transcript NM_004260.4 (MANE Select); coding-DNA position 2176, G replaced by A.
Protein change: p.Ala726Thr; replaces alanine 726 with threonine.
Molecular consequence: missense variant.
Genome position (GRCh38, 1-based): chr8:144,513,595, C>T on the plus strand (G>A on the coding strand, the complement: RECQL4 is on the minus strand). VCF-style: chr8-144513595-C-T. GRCh37 (hg19) VCF-style: chr8-145738979-C-T.
Other names: short protein forms A726T.
Identifiers: ClinVar variation 406966 (VCV000406966.13), dbSNP rs766748490, ClinGen allele CA4948431.